The following is an entry in ClinVar:

ClinVar aggregate classification (germline): Uncertain significance. Review status: criteria provided, multiple submitters, no conflicts (2 of 4 stars). 2 submissions from 2 submitters: Uncertain significance (2). Last evaluated 2024-02-18.

Conditions:
CAMTA1-related disorder. Also called: CAMTA1-related condition.

Allele frequency attached by ClinVar (database versions not stated): gnomAD exomes 0.00001; ExAC 0.00002.
gnomAD v4.1: 7 of 1,613,210 alleles (0.00043%); highest among the groups gnomAD compares: South Asian, 0.0011%; no homozygotes.

Submissions (2):

GeneDx
Classification: Uncertain significance. Last evaluated: 2024-02-18. Review status: criteria provided, single submitter. Criteria: GeneDx Variant Classification Process June 2021. Collection method: clinical testing. Allele origin: germline. Affected: yes.
Comment: Not observed at significant frequency in large population cohorts (gnomAD); In silico analysis supports that this missense variant does not alter protein structure/function; Has not been previously published as pathogenic or benign to our knowledge

PreventionGenetics, part of Exact Sciences
Classification: Uncertain significance for CAMTA1-related condition. Last evaluated: 2023-02-25. Review status: criteria provided, single submitter. Criteria: ACMG Guidelines, 2015. Collection method: clinical testing. Allele origin: germline.
Comment: The CAMTA1 c.1762G>A variant is predicted to result in the amino acid substitution p.Ala588Thr. To our knowledge, this variant has not been reported in the literature. This variant is reported in 0.0033% of alleles in individuals of South Asian descent in gnomAD. At this time, the clinical significance of this variant is uncertain due to the absence of conclusive functional and genetic evidence.

NM_015215.4(CAMTA1):c.1762G>A (p.Ala588Thr)

Gene: CAMTA1 (calmodulin binding transcription activator 1; plus strand). Cytogenetic location: 1p36.23.
Variant type: single nucleotide variant.
Coding change: c.1762G>A on transcript NM_015215.4 (MANE Select); coding-DNA position 1762, G replaced by A.
Protein change: p.Ala588Thr; replaces alanine 588 with threonine.
Molecular consequence: missense variant.
Genome position (GRCh38, 1-based): chr1:7,664,309, G>A. VCF-style: chr1-7664309-G-A. GRCh37 (hg19) VCF-style: chr1-7724369-G-A.
Other names: c.1672G>A, p.Ala558Thr (NM_001349608.2, NM_001349612.2); c.1762G>A, p.Ala588Thr (NM_001349609.2, NM_001349610.2, NM_001410737.1); c.1690G>A, p.Ala564Thr (NM_001410738.1); short protein forms A558T, A564T, A588T.
Identifiers: ClinVar variation 2630225 (VCV002630225.2), dbSNP rs754356402, ClinGen allele CA566500.